The following is an entry in ClinVar:

NM_000428.3(LTBP2):c.972del (p.Asp325fs)

Gene: LTBP2 (latent transforming growth factor beta binding protein 2; minus strand). Cytogenetic location: 14q24.3.
Variant type: Deletion.
Coding change: c.972del on transcript NM_000428.3 (MANE Select); coding-DNA position 972, one base deleted (A; older notation c.972delA).
Protein change: p.Asp325fs; shifts the reading frame from aspartic acid 325.
Molecular consequence: frameshift variant.
Genome position (GRCh38, 1-based): chr14:74,555,552, T deleted on the plus strand (A on the coding strand, the reverse complement: LTBP2 is on the minus strand). VCF-style (leftmost placement, unchanged base first): chr14-74555551-CT-C. GRCh37 (hg19) VCF-style: chr14-75022254-CT-C.
Other names: short protein forms D325fs.
Identifiers: ClinVar variation 1416583 (VCV001416583.5), dbSNP rs1420141860, ClinGen allele CA615036446.

ClinVar aggregate classification (germline): Pathogenic (1 of 4 stars; one submission).

Allele frequency attached by ClinVar (database versions not stated): gnomAD exomes below 0.00001.

Submission:

Labcorp Genetics (formerly Invitae), Labcorp
Classification: Pathogenic. Last evaluated: 2023-10-27. Review status: criteria provided, single submitter. Criteria: Invitae Variant Classification Sherloc (09022015). Collection method: clinical testing. Allele origin: germline.
Comment: This sequence change creates a premature translational stop signal (p.Asp325Metfs*18) in the LTBP2 gene. It is expected to result in an absent or disrupted protein product. Loss-of-function variants in LTBP2 are known to be pathogenic (PMID: 19361779, 19656777, 22025892). This variant is present in population databases (no rsID available, gnomAD 0.007%). This variant has not been reported in the literature in individuals affected with LTBP2-related conditions. ClinVar contains an entry for this variant (Variation ID: 1416583). For these reasons, this variant has been classified as Pathogenic.

Literature cited by the submitters: PubMed 19361779; PubMed 19656777; PubMed 22025892.